The following is an entry in ClinVar:

ClinVar aggregate classification (germline): Pathogenic (1 of 4 stars; one submission).

Conditions:
Beta-D-mannosidosis (MANSB). Also called: MANNOSIDOSIS, BETA A, LYSOSOMAL; BETA-MANNOSIDASE DEFICIENCY; LYSOSOMAL BETA-MANNOSIDASE DEFICIENCY; Beta-Mannosidosis. Identifiers: Orphanet 118, MedGen C4048196, MONDO:0009562, OMIM 248510.

Submission:

Labcorp Genetics (formerly Invitae), Labcorp
Classification: Pathogenic for Beta-D-mannosidosis. Last evaluated: 2023-02-26. Review status: criteria provided, single submitter. Criteria: Invitae Variant Classification Sherloc (09022015). Collection method: clinical testing. Allele origin: germline.
Comment: This variant has not been reported in the literature in individuals affected with MANBA-related conditions. This variant is not present in population databases (gnomAD no frequency). This sequence change creates a premature translational stop signal (p.Gln521*) in the MANBA gene. It is expected to result in an absent or disrupted protein product. Loss-of-function variants in MANBA are known to be pathogenic (PMID: 9384606, 12468273). For these reasons, this variant has been classified as Pathogenic.

Literature cited by the submitters: PubMed 9384606; PubMed 12468273.

NM_005908.4(MANBA):c.1561C>T (p.Gln521Ter)

Gene: MANBA (mannosidase beta; minus strand). Cytogenetic location: 4q24.
Variant type: single nucleotide variant.
Coding change: c.1561C>T on transcript NM_005908.4 (MANE Select); coding-DNA position 1561, C replaced by T.
Protein change: p.Gln521Ter; replaces glutamine 521 with a stop codon.
Molecular consequence: nonsense.
Genome position (GRCh38, 1-based): chr4:102,657,825, G>A on the plus strand (C>T on the coding strand, the complement: MANBA is on the minus strand). VCF-style: chr4-102657825-G-A. GRCh37 (hg19) VCF-style: chr4-103578982-G-A.
Other names: short protein forms Q521*.
Identifiers: ClinVar variation 2840943 (VCV002840943.3), dbSNP rs2476765995, ClinGen allele CA357758905.